The following is an entry in ClinVar:

NM_001171.6(ABCC6):c.1966G>A (p.Gly656Ser)

Gene: ABCC6 (ATP binding cassette subfamily C member 6; minus strand). Cytogenetic location: 16p13.11.
Variant type: single nucleotide variant.
Coding change: c.1966G>A on transcript NM_001171.6 (MANE Select); coding-DNA position 1966, G replaced by A.
Protein change: p.Gly656Ser; replaces glycine 656 with serine.
Molecular consequence: missense variant. On other transcripts: non-coding transcript variant (1).
Genome position (GRCh38, 1-based): chr16:16,182,908, C>T on the plus strand (G>A on the coding strand, the complement: ABCC6 is on the minus strand). VCF-style: chr16-16182908-C-T. GRCh37 (hg19) VCF-style: chr16-16276765-C-T.
Other names: c.1624G>A, p.Gly542Ser (NM_001351800.1); short protein forms G542S, G656S.
Identifiers: ClinVar variation 2421819 (VCV002421819.6), dbSNP rs2511002526, ClinGen allele CA394888803.

ClinVar aggregate classification (germline): Uncertain significance. Review status: criteria provided, multiple submitters, no conflicts (2 of 4 stars). 2 submissions from 2 submitters: Uncertain significance (2). Last evaluated 2024-04-01.

Conditions:
Arterial calcification, generalized, of infancy, 2. Identifiers: Orphanet 51608, MedGen C3276161, MONDO:0013768, OMIM 614473.
Pseudoxanthoma elasticum, forme fruste. Also called: Pseudoxanthoma Elasticum, Incomplete; PSEUDOXANTHOMA ELASTICUM, HETEROZYGOUS. Identifiers: Orphanet 758, MedGen C1867450, MONDO:0008333, OMIM 177850.
Autosomal recessive inherited pseudoxanthoma elasticum (PXE). Identifiers: Orphanet 758, MedGen CN032334, MONDO:0009925, OMIM 264800.

Submissions (2):

Fulgent Genetics
Classification: Uncertain significance for Pseudoxanthoma elasticum, forme fruste; Autosomal recessive inherited pseudoxanthoma elasticum; Arterial calcification, generalized, of infancy, 2. Last evaluated: 2024-04-01. Review status: criteria provided, single submitter. Criteria: ACMG Guidelines, 2015. Collection method: clinical testing. Allele origin: germline.

Labcorp Genetics (formerly Invitae), Labcorp
Classification: Uncertain significance. Last evaluated: 2022-01-27. Review status: criteria provided, single submitter. Criteria: Invitae Variant Classification Sherloc (09022015). Collection method: clinical testing. Allele origin: germline.
Comment: This sequence change replaces glycine, which is neutral and non-polar, with serine, which is neutral and polar, at codon 656 of the ABCC6 protein (p.Gly656Ser). This variant is not present in population databases (gnomAD no frequency). This variant has not been reported in the literature in individuals affected with ABCC6-related conditions. Advanced modeling of protein sequence and biophysical properties (such as structural, functional, and spatial information, amino acid conservation, physicochemical variation, residue mobility, and thermodynamic stability) performed at Invitae indicates that this missense variant is expected to disrupt ABCC6 protein function. In summary, the available evidence is currently insufficient to determine the role of this variant in disease. Therefore, it has been classified as a Variant of Uncertain Significance.